The following is an entry in ClinVar:

ClinVar aggregate classification (germline): Likely benign. Review status: criteria provided, single submitter (1 of 4 stars). 3 submissions from 3 submitters: Likely benign (1). 2 of the submissions do not count toward it. Last evaluated 2023-03-28.

Conditions:
PRKDC-related disorder. Also called: PRKDC-related condition.
Severe combined immunodeficiency due to DNA-PKcs deficiency. Also called: IMMUNODEFICIENCY 26 WITH NEUROLOGIC ABNORMALITIES; Immunodeficiency 26 with or without neurologic abnormalities. Identifiers: Orphanet 317425, MedGen C4014833, MONDO:0014423, OMIM 615966.

Submissions (3):

Blueprint Genetics
Classification: Likely benign. Last evaluated: 2023-03-28. Review status: criteria provided, single submitter. Criteria: ACMG Guidelines, 2015. Collection method: clinical testing. Allele origin: germline.

PreventionGenetics, part of Exact Sciences
Classification: Likely benign for PRKDC-related condition. Last evaluated: 2019-04-24. Review status: no assertion criteria provided. Collection method: clinical testing. Allele origin: germline. Not counted in ClinVar's aggregate classification.
Comment: This variant is classified as likely benign based on ACMG/AMP sequence variant interpretation guidelines (Richards et al. 2015 PMID: 25741868, with internal and published modifications).

OMIM
Classification: Pathogenic for IMMUNODEFICIENCY 26 WITH NEUROLOGIC ABNORMALITIES. Last evaluated: 2013-07-01. Review status: no assertion criteria provided. Collection method: literature only. Allele origin: germline. Not counted in ClinVar's aggregate classification.

Literature cited by the submitters: PubMed 23722905 (cited by OMIM).

NM_006904.7(PRKDC):c.1777-710dup

Gene: PRKDC (protein kinase, DNA-activated, catalytic subunit; minus strand). Cytogenetic location: 8q11.21.
Variant type: Duplication.
Coding change: c.1777-710dup on transcript NM_006904.7 (MANE Select); 710 bases into the intron before coding-DNA position 1777, one base duplicated (A; older notation c.1777-710dupA).
Molecular consequence: intron variant.
Genome position (GRCh38, 1-based): chr8:47,931,497, T duplicated on the plus strand (A on the coding strand, the reverse complement: PRKDC is on the minus strand); the first of 14 consecutive T bases (chr8:47,931,497-47,931,510); duplicating any one gives the same sequence. VCF-style (leftmost placement, unchanged base first): chr8-47931496-G-GT. GRCh37 (hg19) VCF-style: chr8-48844056-G-GT.
Other names: EX16 DEL; c.1777-710dup (NM_001081640.2); c.1777-710dupA (NM_006904.6).
Identifiers: ClinVar variation 154324 (VCV000154324.6), dbSNP rs546905091, ClinGen allele CA170668.
Genomic context (GRCh38, chr8:47,931,496, plus strand): 5'-CACATGTTCTAAAATGCAGGTCTGTCAGCTGACACAGTTCCAGGAAGTCCCTTTGGGCAA[G>GT]TTTTTTTTTTTTTTAATAAAATTATTTTAGACATTTGCAAAGCACAGAGAGCAATAAACC-3'